The following is an entry in ClinVar:

ClinVar aggregate classification (germline): Uncertain significance (1 of 4 stars; one submission).

Conditions:
Peroxisome biogenesis disorder, complementation group 7 (CG7). Also called: Peroxisome biogenesis disorder, complementation group B. Identifiers: MedGen C1864399.

Submission:

Labcorp Genetics (formerly Invitae), Labcorp
Classification: Uncertain significance for Peroxisome biogenesis disorder, complementation group 7. Last evaluated: 2022-06-28. Review status: criteria provided, single submitter. Criteria: Invitae Variant Classification Sherloc (09022015). Collection method: clinical testing. Allele origin: germline.
Comment: In summary, the available evidence is currently insufficient to determine the role of this variant in disease. Therefore, it has been classified as a Variant of Uncertain Significance. Algorithms developed to predict the effect of missense changes on protein structure and function (SIFT, PolyPhen-2, Align-GVGD) all suggest that this variant is likely to be tolerated. This variant has not been reported in the literature in individuals affected with PEX10-related conditions. This variant is not present in population databases (gnomAD no frequency). This sequence change replaces glycine, which is neutral and non-polar, with arginine, which is basic and polar, at codon 132 of the PEX10 protein (p.Gly132Arg).

NM_002617.4(PEX10):c.394G>C (p.Gly132Arg)

Gene: PEX10 (peroxisomal biogenesis factor 10; minus strand). Cytogenetic location: 1p36.32.
Variant type: single nucleotide variant.
Coding change: c.394G>C on transcript NM_002617.4 (MANE Select); coding-DNA position 394, G replaced by C.
Protein change: p.Gly132Arg; replaces glycine 132 with arginine.
Molecular consequence: missense variant. On other transcripts: 5 prime UTR variant (2), non-coding transcript variant (1).
Genome position (GRCh38, 1-based): chr1:2,408,658, C>G on the plus strand (G>C on the coding strand, the complement: PEX10 is on the minus strand). VCF-style: chr1-2408658-C-G. GRCh37 (hg19) VCF-style: chr1-2340097-C-G.
Other names: c.394G>C, p.Gly132Arg (NM_001374425.1, NM_153818.2); c.-39G>C (NM_001374426.1, NM_001374427.1); short protein forms G132R.
Identifiers: ClinVar variation 2128797 (VCV002128797.2), dbSNP rs1570106192, ClinGen allele CA337988133.